The following is an entry in ClinVar:

ClinVar aggregate classification (germline): Pathogenic/Likely pathogenic. Review status: criteria provided, multiple submitters, no conflicts (2 of 4 stars). 9 submissions from 9 submitters: Pathogenic (4); Likely pathogenic (5). Last evaluated 2026-09-03.

Conditions:
ATM-related disorder. Also called: ATM-related disorders; ATM-related condition.
Hereditary cancer-predisposing syndrome. Also called: Hereditary Cancer Syndrome; Tumor predisposition; Neoplastic Syndromes, Hereditary; Hereditary neoplastic syndrome. Identifiers: Orphanet 140162, MedGen C0027672, MeSH D009386, MONDO:0015356.
Ataxia-telangiectasia syndrome (AT). Also called: ATAXIA-TELANGIECTASIA, COMPLEMENTATION GROUP A; ATAXIA-TELANGIECTASIA, FRESNO VARIANT; Ataxia-telangiectasia; Ataxia-telangiectasia, complementation group E; Cerebello-oculocutaneous telangiectasia; Immunodeficiency with ataxia telangiectasia. Identifiers: Orphanet 100, MedGen C0004135, MONDO:0008840, OMIM 208900.
Breast cancer, susceptibility to. Identifiers: MedGen C3469522. Disease mechanism: gain of function.
Familial cancer of breast. Also called: hereditary breast carcinoma; BREAST CANCER, FAMILIAL; Hereditary breast cancer. Identifiers: Orphanet 227535, MedGen C0346153, MONDO:0016419, OMIM 114480. Disease mechanism: loss of function.

Allele frequency attached by ClinVar (database versions not stated): TOPMed below 0.00001.

Submissions (9):

Clinical Genetics Laboratory, Skane University Hospital Lund
Classification: Pathogenic for Breast cancer, susceptibility to. Last evaluated: 2026-09-03. Review status: criteria provided, single submitter. Criteria: ACMG Guidelines, 2015. Collection method: clinical testing. Allele origin: germline. Affected: yes.
Comment: PVS1, PS1_Supporting, PM2_Supporting

PreventionGenetics, part of Exact Sciences
Classification: Pathogenic for ATM-related condition. Last evaluated: 2026-05-13. Review status: criteria provided, single submitter. Criteria: ACMG Guidelines, 2015. Collection method: clinical testing. Allele origin: germline.
Comment: The ATM c.8988-2A>G variant is predicted to disrupt the AG splice acceptor site and interfere with normal splicing. To our knowledge, this variant has not been reported in the literature in an individual with ATM-related conditions or in a large population database (gnomAD), indicating this variant is rare. Functional studies for different variants impacting the same canonical acceptor site (c.8988-1G>A and c.8988-1G>C) showed that disruption of this acceptor site altered splicing (Casadei et al. 2019. PubMed ID: 31843900; Mitui et al. 2003. PubMed ID: 12815592). While these alterations would not be expected to induce nonsense-mediated decay, it would result in disruption of the C-terminal region of ATM where other loss-of-function variants (e.g., c.9139C>T, p.Arg3047*) have been reported in individuals with ataxia telangiectasia and are classified as pathogenic (Laake et al. 2000. PubMed ID: 10980530; Chessa et al. 2009. PubMed ID: 19691550; Liu et al. 2016. PubMed ID: 26628246). This variant is interpreted as likely pathogenic and pathogenic by multiple institutions in ClinVar (Variation ID: 185326). Taken together, the c.8988-2A>G variant is interpreted as pathogenic.

Labcorp Genetics (formerly Invitae), Labcorp
Classification: Pathogenic for Ataxia-telangiectasia syndrome. Last evaluated: 2024-06-30. Review status: criteria provided, single submitter. Criteria: Invitae Variant Classification Sherloc (09022015). Collection method: clinical testing. Allele origin: germline.
Comment: This sequence change affects an acceptor splice site in intron 62 of the ATM gene. RNA analysis indicates that disruption of this splice site induces altered splicing and likely disrupts the C-terminus of the protein. This variant is not present in population databases (gnomAD no frequency). Disruption of this splice site has been observed in individual(s) with ataxia-telangiectasia (PMID: 12552559, 27664052). In at least one individual the data is consistent with being in trans (on the opposite chromosome) from a pathogenic variant. ClinVar contains an entry for this variant (Variation ID: 185326). Variants that disrupt the consensus splice site are a relatively common cause of aberrant splicing (PMID: 17576681, 9536098). Studies have shown that disruption of this splice site results in activation of a cryptic splice site and introduces a new termination codon (Invitae). However the mRNA is not expected to undergo nonsense-mediated decay. For these reasons, this variant has been classified as Pathogenic.

Baylor Genetics
Classification: Likely pathogenic for Familial cancer of breast. Last evaluated: 2024-03-18. Review status: criteria provided, single submitter. Criteria: ACMG Guidelines, 2015. Collection method: clinical testing. Allele origin: unknown.

Myriad Genetics, Inc.
Classification: Likely pathogenic for Familial cancer of breast. Last evaluated: 2024-02-06. Review status: criteria provided, single submitter. Criteria: Myriad Autosomal Dominant, Autosomal Recessive and X-Linked Classification Criteria (2023). Collection method: clinical testing. Allele origin: unknown.
Comment: This variant is considered likely pathogenic. This variant occurs within a consensus splice junction and is predicted to result in abnormal mRNA splicing of either an out-of-frame exon or an in-frame exon necessary for protein stability and/or normal function.

Ambry Genetics
Classification: Pathogenic for Hereditary cancer-predisposing syndrome. Last evaluated: 2023-05-26. Review status: criteria provided, single submitter. Criteria: Ambry Variant Classification Scheme 2023. Collection method: clinical testing. Allele origin: germline.
Comment: The c.8988-2A>G pathogenic mutation results from an A to G substitution two nucleotides upstream from coding exon 62 in the ATM gene. A similar alteration, c.8988-1G>C (also designated as IVS64-1G>C in the published literature), has been identified in two compound heterozygous patients with ataxia-telangiectasia and has been reported to result in the activation of a cryptic acceptor site, leading to a deletion of 13 nucleotides (Teraoka SN et al. Am. J. Hum. Genet. 1999 Jun; 64(6):1617-31. Mitui M et al. Hum. Mutat. 2003 Jul; 22(1):43-50). In silico splice site analysis predicts that this alteration will weaken the native splice acceptor site and will result in the creation or strengthening of a novel splice acceptor site. RNA studies have demonstrated that this alteration results in abnormal splicing in the set of samples tested (Ambry internal data). This variant is considered to be rare based on population cohorts in the Genome Aggregation Database (gnomAD). Based on the supporting evidence, this alteration is interpreted as a disease-causing mutation.

Color Diagnostics, LLC DBA Color Health
Classification: Likely pathogenic for Hereditary cancer-predisposing syndrome. Last evaluated: 2021-03-09. Review status: criteria provided, single submitter. Criteria: ACMG Guidelines, 2015. Collection method: clinical testing. Allele origin: germline.
Comment: This variant causes an A to G nucleotide substitution at the -2 position of intron 62 of the ATM gene. Splice site prediction tools predict that this variant may have a significant impact on RNA splicing. Although this prediction has not been confirmed in published RNA studies, this variant is expected to result in a disrupted protein product. This variant has been observed in the compound heterozygous state with an additional pathogenic ATM variant in two related individuals affected with ataxia telangiectasia (BioSamples family ID: 1629). This variant has not been identified in the general population by the Genome Aggregation Database (gnomAD). Different variants affecting the same splice acceptor site (c.8988-1G>C, c.8988-1G>A) are known to be disease-causing due to its disruptive impact on RNA splicing (ClinVar variation ID: 181987, 219587). Loss of ATM function is a known mechanism of disease. Based on the available evidence, this variant is classified as Likely Pathogenic.

Revvity Omics, Revvity
Classification: Likely pathogenic for Ataxia-telangiectasia syndrome. Last evaluated: 2019-05-31. Review status: criteria provided, single submitter. Criteria: ACMG Guidelines, 2015. Collection method: clinical testing. Allele origin: germline.

Human Genome Sequencing Center Clinical Lab, Baylor College of Medicine
Classification: Likely pathogenic for Susceptibility to breast cancer; Ataxia-telangiectasia. Last evaluated: 2018-08-10. Review status: criteria provided, single submitter. Criteria: ACMG Guidelines, 2015. Collection method: clinical testing. Allele origin: germline.
Comment: This c.8988-2A>G variant in the ATM gene is predicted to disrupt a canonical splice donor site and thus alter mRNA splicing. It is absent from general population database. Therefore, this c.8988-2A>G variant is classified as likely pathogenic.

Literature cited by the submitters: PubMed 12552559 (cited by Labcorp Genetics (formerly Invitae), Labcorp); PubMed 27664052 (cited by Labcorp Genetics (formerly Invitae), Labcorp); PubMed 17576681 (cited by Labcorp Genetics (formerly Invitae), Labcorp); PubMed 9536098 (cited by Labcorp Genetics (formerly Invitae), Labcorp).

NM_000051.4(ATM):c.8988-2A>G

Genes: ATM (ATM serine/threonine kinase; plus strand), C11orf65 (chromosome 11 open reading frame 65; minus strand). Cytogenetic location: 11q22.3.
Variant type: single nucleotide variant.
Coding change: c.8988-2A>G on transcript NM_000051.4 (MANE Select); the canonical splice acceptor site of the intron before coding-DNA position 8988, A replaced by G.
Molecular consequence: splice acceptor variant. On other transcripts: intron variant (2).
Genome position (GRCh38, 1-based): chr11:108,365,323, A>G. VCF-style: chr11-108365323-A-G. GRCh37 (hg19) VCF-style: chr11-108236050-A-G.
Other names: c.8988-2A>G (NM_001351834.2); c.640+20597T>C (NM_001330368.2); c.694+20597T>C (NM_001351110.2).
Identifiers: ClinVar variation 185326 (VCV000185326.28), dbSNP rs786202087, ClinGen allele CA191650.